The following is an entry in ClinVar:

ClinVar aggregate classification (germline): Uncertain significance (1 of 4 stars; one submission).

Conditions:
Hereditary lymphedema type I (LMPHM1). Also called: Milroy Disease; Nonne-Milroy disease; Congenital hereditary lymphedema; Early onset lymphedema; Hereditary lymphedema 1; Primary congenital lymphedema. Identifiers: Orphanet 79452, MedGen C1704423, MONDO:0007919, OMIM 153100.

Submission:

Clinical Genomics Laboratory, Washington University in St. Louis
Classification: Uncertain significance for Hereditary lymphedema type I. Last evaluated: 2025-05-08. Review status: criteria provided, single submitter. Criteria: ACMG Guidelines, 2015. Collection method: clinical testing. Allele origin: germline.
Comment: A FLT4 c.3800G>A (p.Gly1267Asp) variant was identified at a near heterozygous allelic fraction of 47.5%, a frequency which may be consistent with it being of germline origin. This variant, to our knowledge, has not been reported in the medical literature. This variant is absent in the general population (gnomAD v.4.1.0), indicating it is not a common variant. Computational predictors suggest that the variant does not impact FLT4 function. Due to limited information, and based on ACMG/AMP guidelines for variant interpretation (Richards S et al., PMID: 25741868), the clinical significance of the FLT4 c.3800G>A (p.Gly1267Asp) variant is uncertain at this time.

NM_182925.5(FLT4):c.3800G>A (p.Gly1267Asp)

Gene: FLT4 (fms related receptor tyrosine kinase 4; minus strand). Cytogenetic location: 5q35.3.
Variant type: single nucleotide variant.
Coding change: c.3800G>A on transcript NM_182925.5 (MANE Select); coding-DNA position 3800, G replaced by A.
Protein change: p.Gly1267Asp; replaces glycine 1267 with aspartic acid.
Molecular consequence: missense variant.
Genome position (GRCh38, 1-based): chr5:180,609,912, C>T on the plus strand (G>A on the coding strand, the complement: FLT4 is on the minus strand). VCF-style: chr5-180609912-C-T. GRCh37 (hg19) VCF-style: chr5-180036912-C-T.
Other names: c.3800G>A, p.Gly1267Asp (NM_001354989.2, NM_002020.5); short protein forms G1267D.
Identifiers: ClinVar variation 4279764 (VCV004279764.1).